The following is an entry in ClinVar:

NM_000552.5(VWF):c.2132A>G (p.Tyr711Cys)

Gene: VWF (von Willebrand factor; minus strand). Cytogenetic location: 12p13.31.
Variant type: single nucleotide variant.
Coding change: c.2132A>G on transcript NM_000552.5 (MANE Select); coding-DNA position 2132, A replaced by G.
Protein change: p.Tyr711Cys; replaces tyrosine 711 with cysteine.
Molecular consequence: missense variant.
Genome position (GRCh38, 1-based): chr12:6,052,597, T>C on the plus strand (A>G on the coding strand, the complement: VWF is on the minus strand). VCF-style: chr12-6052597-T-C. GRCh37 (hg19) VCF-style: chr12-6161763-T-C.
Other names: short protein forms Y711C.
Identifiers: ClinVar variation 4088108 (VCV004088108.1).

ClinVar aggregate classification (germline): Uncertain significance (1 of 4 stars; one submission).

gnomAD v4.1: 6 of 1,614,256 alleles (0.00037%); highest among the groups gnomAD compares: Non-Finnish European, 0.00051%; no homozygotes.

Submission:

GeneDx
Classification: Uncertain significance. Last evaluated: 2025-03-24. Review status: criteria provided, single submitter. Criteria: GeneDx Variant Classification Process June 2021. Collection method: clinical testing. Allele origin: germline. Affected: yes.
Comment: Not observed at significant frequency in large population cohorts (gnomAD); In silico analysis supports that this missense variant has a deleterious effect on protein structure/function; Has not been previously published as pathogenic or benign to our knowledge